The following is an entry in ClinVar:

NM_002880.4(RAF1):c.*606A>G

Gene: RAF1 (Raf-1 proto-oncogene, serine/threonine kinase; minus strand). Cytogenetic location: 3p25.2.
Variant type: single nucleotide variant.
Coding change: c.*606A>G on transcript NM_002880.4 (MANE Select); 606 bases downstream of the stop codon, A replaced by G.
Molecular consequence: 3 prime UTR variant. On other transcripts: non-coding transcript variant (3).
Genome position (GRCh38, 1-based): chr3:12,583,908, T>C on the plus strand (A>G on the coding strand, the complement: RAF1 is on the minus strand). VCF-style: chr3-12583908-T-C. GRCh37 (hg19) VCF-style: chr3-12625407-T-C.
Other names: c.*606A>G (NM_001354689.3, NM_001354690.3, NM_001354691.3 and 4 more transcripts).
Identifiers: ClinVar variation 343095 (VCV000343095.5), dbSNP rs556460176, ClinGen allele CA10617111.

ClinVar aggregate classification (germline): Benign/Likely benign. Review status: criteria provided, single submitter (1 of 4 stars). 2 submissions from 1 submitter: Benign (1); Likely benign (1). Last evaluated 2018-01-12.

Conditions:
Noonan syndrome 5 (NS5). Also called: RAF1-Related Noonan Syndrome. Identifiers: Orphanet 648, MedGen C1969057, MONDO:0012690, OMIM 611553. Disease mechanism: gain of function.
LEOPARD syndrome 2 (LPRD2). Also called: RAF1-Related LEOPARD Syndrome. Identifiers: Orphanet 500, MedGen C1969056, MONDO:0012691, OMIM 611554.

Allele frequency attached by ClinVar (database versions not stated): gnomAD below 0.00001 and 0.00011; gnomAD exomes 0.00001; TOPMed 0.00001; 1000 Genomes Project 30x 0.00047; 1000 Genomes Project 0.00060.
gnomAD v4.1: 17 of 235,230 alleles (0.0072%); highest among the groups gnomAD compares: South Asian, 0.3%; no homozygotes.

Submissions (2):

Illumina Laboratory Services, Illumina
Classification: Likely benign for Noonan syndrome 5. Last evaluated: 2018-01-12. Review status: criteria provided, single submitter. Criteria: ICSL Variant Classification Criteria 13 December 2019. Collection method: clinical testing. Allele origin: germline.
Comment: This variant was observed in the ICSL laboratory as part of a predisposition screen in an ostensibly healthy population. It had not been previously curated by ICSL or reported in the Human Gene Mutation Database (HGMD: prior to June 1st, 2018), and was therefore a candidate for classification through an automated scoring system. Utilizing variant allele frequency, disease prevalence and penetrance estimates, and inheritance mode, an automated score was calculated to assess if this variant is too frequent to cause the disease. Based on the score and internal cut-off values, a variant classified as likely benign is not then subjected to further curation. The score for this variant resulted in a classification of likely benign for this disease.

Illumina Laboratory Services, Illumina
Classification: Benign for LEOPARD syndrome 2. Last evaluated: 2018-01-12. Review status: criteria provided, single submitter. Criteria: ICSL Variant Classification Criteria 13 December 2019. Collection method: clinical testing. Allele origin: germline.
Comment: This variant was observed in the ICSL laboratory as part of a predisposition screen in an ostensibly healthy population. It had not been previously curated by ICSL or reported in the Human Gene Mutation Database (HGMD: prior to June 1st, 2018), and was therefore a candidate for classification through an automated scoring system. Utilizing variant allele frequency, disease prevalence and penetrance estimates, and inheritance mode, an automated score was calculated to assess if this variant is too frequent to cause the disease. Based on the score and internal cut-off values, a variant classified as benign is not then subjected to further curation. The score for this variant resulted in a classification of benign for this disease.